The following is an entry in ClinVar:

ClinVar aggregate classification (germline): Uncertain significance (1 of 4 stars; one submission).

Conditions:
Hyperaldosteronism, familial, type IV (HALD4). Also called: FH IV; ALDOSTERONISM, PRIMARY, AND HYPERTENSION. Identifiers: Orphanet 642671, MedGen C4310756, MONDO:0014875, OMIM 617027.
Idiopathic generalized epilepsy. Also called: EIG; Generalised epilepsy. Identifiers: MedGen C0270850, MONDO:0005579, OMIM 600669.

Allele frequency attached by ClinVar (database versions not stated): gnomAD exomes 0.00001.
gnomAD v4.1: 16 of 1,548,836 alleles (0.001%); highest among the groups gnomAD compares: Admixed American, 0.0019%; no homozygotes.

Submission:

Labcorp Genetics (formerly Invitae), Labcorp
Classification: Uncertain significance for Idiopathic generalized epilepsy; Hyperaldosteronism, familial, type IV. Last evaluated: 2023-03-26. Review status: criteria provided, single submitter. Criteria: Invitae Variant Classification Sherloc (09022015). Collection method: clinical testing. Allele origin: germline.
Comment: This sequence change replaces aspartic acid, which is acidic and polar, with glycine, which is neutral and non-polar, at codon 1181 of the CACNA1H protein (p.Asp1181Gly). This variant is not present in population databases (gnomAD no frequency). This variant has not been reported in the literature in individuals affected with CACNA1H-related conditions. Advanced modeling of protein sequence and biophysical properties (such as structural, functional, and spatial information, amino acid conservation, physicochemical variation, residue mobility, and thermodynamic stability) performed at Invitae indicates that this missense variant is not expected to disrupt CACNA1H protein function. In summary, the available evidence is currently insufficient to determine the role of this variant in disease. Therefore, it has been classified as a Variant of Uncertain Significance.

NM_021098.3(CACNA1H):c.3542A>G (p.Asp1181Gly)

Gene: CACNA1H (calcium voltage-gated channel subunit alpha1 H; plus strand). Cytogenetic location: 16p13.3.
Variant type: single nucleotide variant.
Coding change: c.3542A>G on transcript NM_021098.3 (MANE Select); coding-DNA position 3542, A replaced by G.
Protein change: p.Asp1181Gly; replaces aspartic acid 1181 with glycine.
Molecular consequence: missense variant.
Genome position (GRCh38, 1-based): chr16:1,209,210, A>G. VCF-style: chr16-1209210-A-G. GRCh37 (hg19) VCF-style: chr16-1259210-A-G.
Other names: c.3542A>G, p.Asp1181Gly (NM_001005407.2); short protein forms D1181G.
Identifiers: ClinVar variation 2939556 (VCV002939556.3), dbSNP rs1969126206, ClinGen allele CA394173926.